The following is an entry in ClinVar:

NM_001298.3(CNGA3):c.332C>A (p.Ser111Tyr)

Gene: CNGA3 (cyclic nucleotide gated channel subunit alpha 3; plus strand). Cytogenetic location: 2q11.2.
Variant type: single nucleotide variant.
Coding change: c.332C>A on transcript NM_001298.3 (MANE Select); coding-DNA position 332, C replaced by A.
Protein change: p.Ser111Tyr; replaces serine 111 with tyrosine.
Molecular consequence: missense variant.
Genome position (GRCh38, 1-based): chr2:98,380,291, C>A. VCF-style: chr2-98380291-C-A. GRCh37 (hg19) VCF-style: chr2-98996754-C-A.
Other names: NC_000002.11:g.98996754C>A; NP_001289.1:p.(Ser111Tyr); c.332C>A, p.Ser111Tyr (NM_001079878.2); short protein forms S111Y.
Identifiers: ClinVar variation 2577507 (VCV002577507.2), dbSNP rs755819041, ClinGen allele CA347831128.

ClinVar aggregate classification (germline): Uncertain significance (1 of 4 stars; one submission).

Conditions:
Achromatopsia. Also called: Rod monochromatism. Identifiers: Orphanet 49382, MedGen C0152200, MONDO:0018852, HP:0011516.

Submission:

Ophthalmic Genetics Group, Institute of Molecular and Clinical Ophthalmology Basel
Classification: Uncertain significance for Achromatopsia. Last evaluated: 2023-07-24. Review status: criteria provided, single submitter. Criteria: ACMG Guidelines, 2015. Collection method: research. Allele origin: germline. Affected: yes. Observed: 1 variant allele.
Comment: Clinical significance based on ACMG v2.0

This variant was classified as Uncertain significance based on ACMG criteria: PM2, PP2.

Literature cited by the submitters: PubMed 36909829.